The following is an entry in ClinVar:

NM_007294.4(BRCA1):c.5210G>A (p.Arg1737Lys)

Gene: BRCA1 (BRCA1 DNA repair associated; minus strand). Cytogenetic location: 17q21.31.
Variant type: single nucleotide variant.
Coding change: c.5210G>A on transcript NM_007294.4 (MANE Select); coding-DNA position 5210, G replaced by A.
Protein change: p.Arg1737Lys; replaces arginine 1737 with lysine.
Molecular consequence: missense variant. On other transcripts: non-coding transcript variant (1).
Genome position (GRCh38, 1-based): chr17:43,057,119, C>T on the plus strand (G>A on the coding strand, the complement: BRCA1 is on the minus strand). VCF-style: chr17-43057119-C-T. GRCh37 (hg19) VCF-style: chr17-41209136-C-T.
Other names: c.5126G>A, p.Arg1709Lys (NM_001407660.1, NM_001407661.1, NM_001407662.1 and 2 more transcripts); c.5087G>A, p.Arg1696Lys (NM_001407664.1, NM_001407665.1, NM_001407666.1 and 6 more transcripts); c.5084G>A, p.Arg1695Lys (NM_001407679.1, NM_001407680.1, NM_001407670.1 and 10 more transcripts); c.5081G>A, p.Arg1694Lys (NM_001407681.1, NM_001407682.1, NM_001407683.1 and 6 more transcripts); c.5210G>A, p.Arg1737Lys (NM_001407684.1, NM_001407593.1, NM_001407594.1 and 7 more transcripts); c.4997G>A, p.Arg1666Lys (NM_001407571.1, NM_001407900.1, NM_001407902.1 and 12 more transcripts); c.5276G>A, p.Arg1759Lys (NM_001407581.1, NM_001407582.1); c.5273G>A, p.Arg1758Lys (NM_001407583.1, NM_001407585.1, NM_001407587.1 and 1 more transcripts); and 72 more; short protein forms R1690K, R633K, R1737K, R1758K, R1568K, R1625K, R1626K, R1648K.
Identifiers: ClinVar variation 868185 (VCV000868185.5), dbSNP rs2051524645, ClinGen allele CA10591119.

ClinVar aggregate classification (germline): Uncertain significance (1 of 4 stars; one submission).

Conditions:
Hereditary breast ovarian cancer syndrome. Also called: Hereditary breast and ovarian cancer; Hereditary breast and ovarian cancer syndrome (HBOC); Breast and ovarian cancer; Hereditary breast and/or ovarian cancer syndrome; BRCA1- and BRCA2-Associated Hereditary Breast and Ovarian Cancer; Hereditary breast and ovarian cancer syndrome. Identifiers: Orphanet 145, MedGen C0677776, MeSH D061325, MONDO:0003582. Disease mechanism: loss of function.

Submissions (2):

Labcorp Genetics (formerly Invitae), Labcorp
Classification: Uncertain significance for Hereditary breast ovarian cancer syndrome. Last evaluated: 2024-09-06. Review status: criteria provided, single submitter. Criteria: Invitae Variant Classification Sherloc (09022015). Collection method: clinical testing. Allele origin: germline.
Comment: This sequence change replaces arginine, which is basic and polar, with lysine, which is basic and polar, at codon 1737 of the BRCA1 protein (p.Arg1737Lys). This variant is not present in population databases (gnomAD no frequency). This variant has not been reported in the literature in individuals affected with BRCA1-related conditions. ClinVar contains an entry for this variant (Variation ID: 868185). Invitae Evidence Modeling of protein sequence and biophysical properties (such as structural, functional, and spatial information, amino acid conservation, physicochemical variation, residue mobility, and thermodynamic stability) indicates that this missense variant is not expected to disrupt BRCA1 protein function with a negative predictive value of 95%. In summary, the available evidence is currently insufficient to determine the role of this variant in disease. Therefore, it has been classified as a Variant of Uncertain Significance.

Brotman Baty Institute, University of Washington
No classification provided (evidence only). Condition: Breast-ovarian cancer, familial 1. Review status: no classification provided. Collection method: in vitro. Allele origin: not applicable. Functional consequence: function_uncertain_variant. Not counted in ClinVar's aggregate classification.
ClinVar note: "not provided" was previously submitted as the classification for the variant. However, the classification appeared to be based only on an observation of functional data so it was converted to no classification on 2025-07-30.